The following is an entry in ClinVar:

NM_031935.3(HMCN1):c.15527G>A (p.Arg5176His)

Gene: HMCN1 (hemicentin 1; plus strand). Cytogenetic location: 1q31.1.
Variant type: single nucleotide variant.
Coding change: c.15527G>A on transcript NM_031935.3 (MANE Select); coding-DNA position 15527, G replaced by A.
Protein change: p.Arg5176His; replaces arginine 5176 with histidine.
Molecular consequence: missense variant.
Genome position (GRCh38, 1-based): chr1:186,166,895, G>A. VCF-style: chr1-186166895-G-A. GRCh37 (hg19) VCF-style: chr1-186136027-G-A.
Other names: c.15527G>A (NM_031935.2); short protein forms R5176H.
Identifiers: ClinVar variation 1582084 (VCV001582084.11), dbSNP rs150494959, ClinGen allele CA1295287.

ClinVar aggregate classification (germline): Likely benign. Review status: criteria provided, multiple submitters, no conflicts (2 of 4 stars). 3 submissions from 3 submitters: Likely benign (2). 1 of the submissions does not count toward it. Last evaluated 2025-12-03.

Conditions:
HMCN1-related disorder. Also called: HMCN1-related condition.

Allele frequency attached by ClinVar (database versions not stated): ExAC 0.00026; 1000 Genomes Project 30x 0.00047; 1000 Genomes Project 0.00060; gnomAD 0.00066 and 0.00068; ESP Exome Variant Server 0.00085.
gnomAD v4.1: 274 of 1,614,132 alleles (0.017%); highest among the groups gnomAD compares: African/African-American, 0.19%; 1 homozygote.

Submissions (3):

Labcorp Genetics (formerly Invitae), Labcorp
Classification: Likely benign. Last evaluated: 2025-12-03. Review status: criteria provided, single submitter. Criteria: Invitae Variant Classification Sherloc (09022015). Collection method: clinical testing. Allele origin: germline.

Breakthrough Genomics
Classification: Likely benign. Review status: criteria provided, single submitter. Criteria: ACMG Guidelines, 2015. Collection method: not provided. Allele origin: germline. Inheritance: Autosomal dominant inheritance. Affected: yes.

PreventionGenetics, part of Exact Sciences
Classification: Likely benign for HMCN1-related condition. Last evaluated: 2022-10-17. Review status: no assertion criteria provided. Collection method: clinical testing. Allele origin: germline. Not counted in ClinVar's aggregate classification.
Comment: This variant is classified as likely benign based on ACMG/AMP sequence variant interpretation guidelines (Richards et al. 2015 PMID: 25741868, with internal and published modifications).